The following is an entry in ClinVar:

ClinVar aggregate classification (germline): Uncertain significance (1 of 4 stars; one submission).

Conditions:
Candidiasis, familial, 8 (CANDF8). Identifiers: Orphanet 1334, MedGen C3714992, MONDO:0014230, OMIM 615527.

Allele frequency attached by ClinVar (database versions not stated): gnomAD 0.00001; TOPMed 0.00001.
gnomAD v4.1: 2 of 1,516,470 alleles (0.00013%); highest among the groups gnomAD compares: African/African-American, 0.0028%; no homozygotes.

Submission:

Labcorp Genetics (formerly Invitae), Labcorp
Classification: Uncertain significance for Candidiasis, familial, 8. Last evaluated: 2020-08-22. Review status: criteria provided, single submitter. Criteria: Invitae Variant Classification Sherloc (09022015). Collection method: clinical testing. Allele origin: germline.
Comment: This sequence change replaces leucine with proline at codon 255 of the TRAF3IP2 protein (p.Leu255Pro). The leucine residue is weakly conserved and there is a moderate physicochemical difference between leucine and proline. This variant is not present in population databases (ExAC no frequency). In summary, the available evidence is currently insufficient to determine the role of this variant in disease. Therefore, it has been classified as a Variant of Uncertain Significance. Algorithms developed to predict the effect of missense changes on protein structure and function output the following: SIFT: "Tolerated"; PolyPhen-2: "Benign"; Align-GVGD: "Class C0". The proline amino acid residue is found in multiple mammalian species, suggesting that this missense change does not adversely affect protein function. These predictions have not been confirmed by published functional studies and their clinical significance is uncertain. This variant has not been reported in the literature in individuals with TRAF3IP2-related conditions.

NM_147686.4(TRAF3IP2):c.764T>C (p.Leu255Pro)

Genes: TRAF3IP2 (TRAF3 interacting protein 2; minus strand), TRAF3IP2-AS1 (TRAF3IP2 antisense RNA 1; plus strand), LOC114803478 (TRAF3IP2 eExon liver enhancer; plus strand). Cytogenetic location: 6q21.
Variant type: single nucleotide variant.
Coding change: c.764T>C on transcript NM_147686.4 (MANE Select); coding-DNA position 764, T replaced by C.
Protein change: p.Leu255Pro; replaces leucine 255 with proline.
Molecular consequence: missense variant.
Genome position (GRCh38, 1-based): chr6:111,591,323, A>G on the plus strand (T>C on the coding strand, the complement: TRAF3IP2 is on the minus strand). VCF-style: chr6-111591323-A-G. GRCh37 (hg19) VCF-style: chr6-111912526-A-G.
Other names: c.764T>C, p.Leu255Pro (NM_001164281.3); c.791T>C, p.Leu264Pro (NM_147200.3); short protein forms L255P, L264P.
Identifiers: ClinVar variation 1055902 (VCV001055902.9), dbSNP rs1002090925, ClinGen allele CA365365806.